The following is an entry in ClinVar:

NM_024496.4(IRF2BPL):c.2254G>T (p.Ala752Ser)

Gene: IRF2BPL (interferon regulatory factor 2 binding protein like; minus strand). Cytogenetic location: 14q24.3.
Variant type: single nucleotide variant.
Coding change: c.2254G>T on transcript NM_024496.4 (MANE Select); coding-DNA position 2254, G replaced by T.
Protein change: p.Ala752Ser; replaces alanine 752 with serine.
Molecular consequence: missense variant.
Genome position (GRCh38, 1-based): chr14:77,025,539, C>A on the plus strand (G>T on the coding strand, the complement: IRF2BPL is on the minus strand). VCF-style: chr14-77025539-C-A. GRCh37 (hg19) VCF-style: chr14-77491882-C-A.
Other names: short protein forms A752S.
Identifiers: ClinVar variation 3572547 (VCV003572547.1).

ClinVar aggregate classification (germline): Uncertain significance (1 of 4 stars; one submission).

gnomAD v4.1: 2 of 1,613,628 alleles (0.00012%); highest among the groups gnomAD compares: Non-Finnish European, 0.00017%; no homozygotes.

Submission:

GeneDx
Classification: Uncertain significance. Last evaluated: 2024-06-17. Review status: criteria provided, single submitter. Criteria: GeneDx Variant Classification Process June 2021. Collection method: clinical testing. Allele origin: germline. Affected: yes.
Comment: Not observed at significant frequency in large population cohorts (gnomAD); In silico analysis indicates that this missense variant does not alter protein structure/function; Has not been previously published as pathogenic or benign to our knowledge